The following is an entry in ClinVar:

NM_001572.5(IRF7):c.21-23T>C

Gene: IRF7 (interferon regulatory factor 7; minus strand). Cytogenetic location: 11p15.5.
Variant type: single nucleotide variant.
Coding change: c.21-23T>C on transcript NM_001572.5 (MANE Select); 23 bases into the intron before coding-DNA position 21, T replaced by C.
Molecular consequence: intron variant. On other transcripts: missense variant (1).
Genome position (GRCh38, 1-based): chr11:615,282, A>G on the plus strand (T>C on the coding strand, the complement: IRF7 is on the minus strand). VCF-style: chr11-615282-A-G. GRCh37 (hg19) VCF-style: chr11-615282-A-G.
Other names: c.21-23T>C (LRG_1313t1, NM_004029.4); c.37T>C, p.Ser13Pro (NM_004031.4); short protein forms S13P.
Identifiers: ClinVar variation 664009 (VCV000664009.10), dbSNP rs750684733, ClinGen allele CA5784120.
Genomic context (GRCh38, chr11:615,282, plus strand): 5'-CAAGGAGCCACTCTCCGAACAGCACGCGTGGGGCTGCCCTGCGGGTGCCCGGCCGCGGAG[A>G]GTCAGGGCCGGCTGCAGGGCGCTCGGGGACTGGCATCTGGAGAGGGTGGGCCGGGCTCTT-3'

ClinVar aggregate classification (germline): Conflicting classifications of pathogenicity. Review status: criteria provided, conflicting classifications (1 of 4 stars). 3 submissions from 3 submitters: Uncertain significance (2); Likely benign (1). Last evaluated 2025-12-03.

Conditions:
Immunodeficiency 39 (IMD39). Identifiers: Orphanet 574918, MedGen C4225358, MONDO:0014597, OMIM 616345.

Allele frequency attached by ClinVar (database versions not stated): gnomAD 0.00004 and 0.00005; gnomAD exomes 0.00006 and 0.00007; TOPMed 0.00008; ExAC 0.00012.
gnomAD v4.1: 91 of 1,578,384 alleles (0.0058%); highest among the groups gnomAD compares: Middle Eastern, 0.033%; no homozygotes.

Submissions (3):

Labcorp Genetics (formerly Invitae), Labcorp
Classification: Uncertain significance for Immunodeficiency 39. Last evaluated: 2025-12-03. Review status: criteria provided, single submitter. Criteria: Invitae Variant Classification Sherloc (09022015). Collection method: clinical testing. Allele origin: germline.
Comment: This sequence change replaces serine, which is neutral and polar, with proline, which is neutral and non-polar, at codon 13 of the IRF7 protein (p.Ser13Pro). This variant is present in population databases (rs750684733, gnomAD 0.01%). This variant has not been reported in the literature in individuals affected with IRF7-related conditions. ClinVar contains an entry for this variant (Variation ID: 664009). An algorithm developed to predict the effect of missense changes on protein structure and function (PolyPhen-2) suggests that this variant is likely to be tolerated. In summary, the available evidence is currently insufficient to determine the role of this variant in disease. Therefore, it has been classified as a Variant of Uncertain Significance.

Ambry Genetics
Classification: Uncertain significance. Last evaluated: 2025-04-21. Review status: criteria provided, single submitter. Criteria: Ambry Variant Classification Scheme 2023. Collection method: clinical testing. Allele origin: germline.

Blueprint Genetics
Classification: Likely benign. Last evaluated: 2024-08-21. Review status: criteria provided, single submitter. Criteria: ACMG Guidelines, 2015. Collection method: clinical testing. Allele origin: germline.